The following is an entry in ClinVar:

ClinVar aggregate classification (germline): Pathogenic (1 of 4 stars; one submission).

Allele frequency attached by ClinVar (database versions not stated): gnomAD exomes below 0.00001.

Submission:

Labcorp Genetics (formerly Invitae), Labcorp
Classification: Pathogenic. Last evaluated: 2022-02-02. Review status: criteria provided, single submitter. Criteria: Invitae Variant Classification Sherloc (09022015). Collection method: clinical testing. Allele origin: germline.
Comment: For these reasons, this variant has been classified as Pathogenic. This variant has not been reported in the literature in individuals affected with EIF2AK4-related conditions. This variant is not present in population databases (gnomAD no frequency). This sequence change creates a premature translational stop signal (p.Trp1420Glyfs*71) in the EIF2AK4 gene. It is expected to result in an absent or disrupted protein product. Loss-of-function variants in EIF2AK4 are known to be pathogenic (PMID: 12215525, 24135949, 24292273, 24310610, 28972005, 29743074).

Literature cited by the submitters: PubMed 12215525; PubMed 24135949; PubMed 24292273; PubMed 24310610; PubMed 28972005; PubMed 29743074.

NM_001013703.4(EIF2AK4):c.4258del (p.Trp1420fs)

Gene: EIF2AK4 (eukaryotic translation initiation factor 2 alpha kinase 4; plus strand). Cytogenetic location: 15q15.1.
Variant type: Deletion.
Coding change: c.4258del on transcript NM_001013703.4 (MANE Select); coding-DNA position 4258, one base deleted (T; older notation c.4258delT).
Protein change: p.Trp1420fs; shifts the reading frame from tryptophan 1420.
Molecular consequence: frameshift variant.
Genome position (GRCh38, 1-based): chr15:40,020,983, T deleted. VCF-style (leftmost placement, unchanged base first): chr15-40020982-CT-C. GRCh37 (hg19) VCF-style: chr15-40313183-CT-C.
Other names: short protein forms W1420fs.
Identifiers: ClinVar variation 2091690 (VCV002091690.4), dbSNP rs2504639204, ClinGen allele CA2580089328.
Genomic context (GRCh38, chr15:40,020,982, plus strand): 5'-CCTGGTTGTAAGTGTTGGCCAGATGTCTATGTCCAGGGCCATCAACCTAACCCAGAAACT[CT>C]GGACAGCAGGCATCACAGCAGAAATCATGTACGACTGGTCACAGGTAATGGGACAAAAAG-3'